The following is an entry in ClinVar:

ClinVar aggregate classification (germline): Uncertain significance. Review status: criteria provided, multiple submitters, no conflicts (2 of 4 stars). 2 submissions from 2 submitters: Uncertain significance (2). Last evaluated 2025-03-03.

Conditions:
Congenital disorder of glycosylation (CDG). Also called: Carbohydrate-deficient glycoprotein syndrome; Congenital disorders of glycosylation. Identifiers: Orphanet 137, MedGen C0282577, MONDO:0015286.

Allele frequency attached by ClinVar (database versions not stated): ExAC 0.00004; 1000 Genomes Project 30x 0.00016; 1000 Genomes Project 0.00020.

Submissions (2):

Labcorp Genetics (formerly Invitae), Labcorp
Classification: Uncertain significance for Congenital disorder of glycosylation. Last evaluated: 2025-03-03. Review status: criteria provided, single submitter. Criteria: Invitae Variant Classification Sherloc (09022015). Collection method: clinical testing. Allele origin: germline.
Comment: This sequence change replaces valine, which is neutral and non-polar, with methionine, which is neutral and non-polar, at codon 269 of the RPN2 protein (p.Val269Met). This variant is present in population databases (rs111986827, gnomAD 0.01%). This variant has not been reported in the literature in individuals affected with RPN2-related conditions. ClinVar contains an entry for this variant (Variation ID: 1055522). An algorithm developed to predict the effect of missense changes on protein structure and function outputs the following: PolyPhen-2: "Benign". The methionine amino acid residue is found in multiple mammalian species, which suggests that this missense change does not adversely affect protein function. In summary, the available evidence is currently insufficient to determine the role of this variant in disease. Therefore, it has been classified as a Variant of Uncertain Significance.

Ambry Genetics
Classification: Uncertain significance. Last evaluated: 2024-03-28. Review status: criteria provided, single submitter. Criteria: Ambry Variant Classification Scheme 2023. Collection method: clinical testing. Allele origin: germline.

NM_002951.5(RPN2):c.805G>A (p.Val269Met)

Gene: RPN2 (ribophorin II; plus strand). Cytogenetic location: 20q11.23.
Variant type: single nucleotide variant.
Coding change: c.805G>A on transcript NM_002951.5 (MANE Select); coding-DNA position 805, G replaced by A.
Protein change: p.Val269Met; replaces valine 269 with methionine.
Molecular consequence: missense variant.
Genome position (GRCh38, 1-based): chr20:37,207,387, G>A. VCF-style: chr20-37207387-G-A. GRCh37 (hg19) VCF-style: chr20-35835790-G-A.
Other names: c.805G>A (NM_002951.3); c.709G>A, p.Val237Met (NM_001135771.3); c.805G>A, p.Val269Met (NM_001324299.2, NM_001324302.2, NM_001324303.2 and 1 more transcripts); c.853G>A, p.Val285Met (NM_001324301.2, NM_001324305.2); c.334G>A, p.Val112Met (NM_001324306.2); short protein forms V112M, V237M, V269M, V285M.
Identifiers: ClinVar variation 1055522 (VCV001055522.8), dbSNP rs111986827, ClinGen allele CA9846991.